The following is an entry in ClinVar:

ClinVar aggregate classification (germline): Likely benign. Review status: criteria provided, multiple submitters, no conflicts (2 of 4 stars). 4 submissions from 4 submitters: Likely benign (4). Last evaluated 2026-05-11.

Conditions:
LRP2-related disorder. Also called: LRP2-related condition.

Allele frequency attached by ClinVar (database versions not stated): TOPMed 0.00004; gnomAD 0.00005 and 0.00006; gnomAD exomes 0.00005 and 0.00007; ESP Exome Variant Server 0.00008; ExAC 0.00010.
gnomAD v4.1: 79 of 1,613,962 alleles (0.0049%); highest among the groups gnomAD compares: South Asian, 0.016%; no homozygotes.

Submissions (4):

PreventionGenetics, part of Exact Sciences
Classification: Likely benign for LRP2-related condition. Last evaluated: 2026-05-11. Review status: criteria provided, single submitter. Criteria: ACMG Guidelines, 2015. Collection method: clinical testing. Allele origin: germline.
Comment: This variant is classified as likely benign based on ACMG/AMP sequence variant interpretation guidelines (Richards et al. 2015 PMID: 25741868, with internal and published modifications).

Labcorp Genetics (formerly Invitae), Labcorp
Classification: Likely benign. Last evaluated: 2025-11-08. Review status: criteria provided, single submitter. Criteria: Invitae Variant Classification Sherloc (09022015). Collection method: clinical testing. Allele origin: germline.

Blueprint Genetics
Classification: Likely benign. Last evaluated: 2024-10-24. Review status: criteria provided, single submitter. Criteria: ACMG Guidelines, 2015. Collection method: clinical testing. Allele origin: germline.

CeGaT Center for Human Genetics Tuebingen
Classification: Likely benign. Last evaluated: 2023-04-01. Review status: criteria provided, single submitter. Criteria: CeGaT Center For Human Genetics Tuebingen Variant Classification Criteria Version 2. Collection method: clinical testing. Allele origin: germline. Affected: yes. Observed: 1 variant allele.
Comment: LRP2: BP4, BP7

NM_004525.3(LRP2):c.8883G>A (p.Pro2961=)

Gene: LRP2 (LDL receptor related protein 2; minus strand). Cytogenetic location: 2q31.1.
Variant type: single nucleotide variant.
Coding change: c.8883G>A on transcript NM_004525.3 (MANE Select); coding-DNA position 8883, G replaced by A.
Protein change: p.Pro2961=; no amino-acid change (proline 2961 retained).
Molecular consequence: synonymous variant.
Genome position (GRCh38, 1-based): chr2:169,191,981, C>T on the plus strand (G>A on the coding strand, the complement: LRP2 is on the minus strand). VCF-style: chr2-169191981-C-T. GRCh37 (hg19) VCF-style: chr2-170048491-C-T.
Other names: c.8883G>A (NM_004525.2).
Identifiers: ClinVar variation 1613584 (VCV001613584.34), dbSNP rs149148484, ClinGen allele CA1953724.